The following is an entry in ClinVar:

ClinVar aggregate classification (germline): Conflicting classifications of pathogenicity. Review status: criteria provided, conflicting classifications (1 of 4 stars). 3 submissions from 3 submitters: Uncertain significance (2); Likely benign (1). Last evaluated 2025-01-23.

Conditions:
Inborn genetic diseases. Identifiers: MedGen C0950123, MeSH D030342.
Fanconi anemia (FA). Also called: Fanconi's anemia. Identifiers: Orphanet 84, MedGen C0015625, MeSH D005199, MONDO:0019391.

gnomAD v4.1: 4 of 1,613,940 alleles (0.00025%); highest among the groups gnomAD compares: Admixed American, 0.0033%; no homozygotes.

Submissions (3):

Ambry Genetics
Classification: Uncertain significance for Inborn genetic diseases. Last evaluated: 2025-01-23. Review status: criteria provided, single submitter. Criteria: Ambry Variant Classification Scheme 2023. Collection method: clinical testing. Allele origin: germline.
Comment: The p.F1210L variant (also known as c.3630C>G), located in coding exon 37 of the FANCA gene, results from a C to G substitution at nucleotide position 3630. The phenylalanine at codon 1210 is replaced by leucine, an amino acid with highly similar properties. This amino acid position is conserved. In addition, this alteration is predicted to be tolerated by in silico analysis. Based on the available evidence, the clinical significance of this variant remains unclear.

Labcorp Genetics (formerly Invitae), Labcorp
Classification: Uncertain significance for Fanconi anemia. Last evaluated: 2024-04-09. Review status: criteria provided, single submitter. Criteria: Invitae Variant Classification Sherloc (09022015). Collection method: clinical testing. Allele origin: germline.
Comment: This sequence change replaces phenylalanine, which is neutral and non-polar, with leucine, which is neutral and non-polar, at codon 1210 of the FANCA protein (p.Phe1210Leu). This variant is present in population databases (rs776001484, gnomAD 0.006%). This variant has not been reported in the literature in individuals affected with FANCA-related conditions. Advanced modeling of protein sequence and biophysical properties (such as structural, functional, and spatial information, amino acid conservation, physicochemical variation, residue mobility, and thermodynamic stability) performed at Invitae indicates that this missense variant is not expected to disrupt FANCA protein function with a negative predictive value of 80%. In summary, the available evidence is currently insufficient to determine the role of this variant in disease. Therefore, it has been classified as a Variant of Uncertain Significance.

Blueprint Genetics
Classification: Likely benign. Last evaluated: 2023-06-19. Review status: criteria provided, single submitter. Criteria: ACMG Guidelines, 2015. Collection method: clinical testing. Allele origin: germline.

NM_000135.4(FANCA):c.3630C>G (p.Phe1210Leu)

Gene: FANCA (FA complementation group A; minus strand). Cytogenetic location: 16q24.3.
Variant type: single nucleotide variant.
Coding change: c.3630C>G on transcript NM_000135.4 (MANE Select); coding-DNA position 3630, C replaced by G.
Protein change: p.Phe1210Leu; replaces phenylalanine 1210 with leucine.
Molecular consequence: missense variant.
Genome position (GRCh38, 1-based): chr16:89,742,935, G>C on the plus strand (C>G on the coding strand, the complement: FANCA is on the minus strand). VCF-style: chr16-89742935-G-C. GRCh37 (hg19) VCF-style: chr16-89809343-G-C.
Other names: c.3630C>G, p.Phe1210Leu (NM_001286167.3); short protein forms F1210L.
Identifiers: ClinVar variation 3704637 (VCV003704637.4).